The following is an entry in ClinVar:

NM_174916.3(UBR1):c.527A>T (p.Glu176Val)

Gene: UBR1 (ubiquitin protein ligase E3 component n-recognin 1; minus strand). Cytogenetic location: 15q15.2.
Variant type: single nucleotide variant.
Coding change: c.527A>T on transcript NM_174916.3 (MANE Select); coding-DNA position 527, A replaced by T.
Protein change: p.Glu176Val; replaces glutamic acid 176 with valine.
Molecular consequence: missense variant.
Genome position (GRCh38, 1-based): chr15:43,074,980, T>A on the plus strand (A>T on the coding strand, the complement: UBR1 is on the minus strand). VCF-style: chr15-43074980-T-A. GRCh37 (hg19) VCF-style: chr15-43367178-T-A.
Other names: short protein forms E176V.
Identifiers: ClinVar variation 4732762 (VCV004732762.1).

ClinVar aggregate classification (germline): Uncertain significance (1 of 4 stars; one submission).

Submission:

Labcorp Genetics (formerly Invitae), Labcorp
Classification: Uncertain significance. Last evaluated: 2025-12-14. Review status: criteria provided, single submitter. Criteria: Invitae Variant Classification Sherloc (09022015). Collection method: clinical testing. Allele origin: germline.
Comment: This sequence change replaces glutamic acid, which is acidic and polar, with valine, which is neutral and non-polar, at codon 176 of the UBR1 protein (p.Glu176Val). This variant is not present in population databases (gnomAD no frequency). This variant has not been reported in the literature in individuals affected with UBR1-related conditions. An algorithm developed to predict the effect of missense changes on protein structure and function (PolyPhen-2) suggests that this variant is likely to be tolerated. Algorithms developed to predict the effect of sequence changes on RNA splicing suggest that this variant may create or strengthen a splice site. In summary, the available evidence is currently insufficient to determine the role of this variant in disease. Therefore, it has been classified as a Variant of Uncertain Significance.